The following is an entry in ClinVar:

NM_001042492.3(NF1):c.4685T>A (p.Leu1562His)

Gene: NF1 (neurofibromin 1; plus strand). Cytogenetic location: 17q11.2.
Variant type: single nucleotide variant.
Coding change: c.4685T>A on transcript NM_001042492.3 (MANE Select); coding-DNA position 4685, T replaced by A.
Protein change: p.Leu1562His; replaces leucine 1562 with histidine.
Molecular consequence: missense variant.
Genome position (GRCh38, 1-based): chr17:31,261,818, T>A. VCF-style: chr17-31261818-T-A. GRCh37 (hg19) VCF-style: chr17-29588836-T-A.
Other names: c.4622T>A, p.Leu1541His (NM_000267.4); short protein forms L1562H, L1541H.
Identifiers: ClinVar variation 2056065 (VCV002056065.4), dbSNP rs2151466439, ClinGen allele CA399000517.

ClinVar aggregate classification (germline): Uncertain significance (1 of 4 stars; one submission).

Conditions:
Neurofibromatosis, type 1 (NF1). Also called: NEUROFIBROMATOSIS, TYPE I, SOMATIC; VON RECKLINGHAUSEN DISEASE; Peripheral type neurofibromatosis; Neurofibromatosis, type I. Identifiers: Orphanet 636, MedGen C0027831, MONDO:0018975, OMIM 162200. Disease mechanism: loss of function.

Submission:

Labcorp Genetics (formerly Invitae), Labcorp
Classification: Uncertain significance for Neurofibromatosis, type 1. Last evaluated: 2021-12-23. Review status: criteria provided, single submitter. Criteria: Invitae Variant Classification Sherloc (09022015). Collection method: clinical testing. Allele origin: germline.
Comment: This variant is not present in population databases (gnomAD no frequency). In summary, the available evidence is currently insufficient to determine the role of this variant in disease. Therefore, it has been classified as a Variant of Uncertain Significance. Advanced modeling of protein sequence and biophysical properties (such as structural, functional, and spatial information, amino acid conservation, physicochemical variation, residue mobility, and thermodynamic stability) performed at Invitae indicates that this missense variant is expected to disrupt NF1 protein function. This variant has not been reported in the literature in individuals affected with NF1-related conditions. This sequence change replaces leucine, which is neutral and non-polar, with histidine, which is basic and polar, at codon 1541 of the NF1 protein (p.Leu1541His).